The following is an entry in ClinVar:

ClinVar aggregate classification (germline): Uncertain significance (1 of 4 stars; one submission).

Conditions:
Hereditary cancer-predisposing syndrome. Also called: Tumor predisposition; Hereditary neoplastic syndrome; Hereditary Cancer Syndrome; Neoplastic Syndromes, Hereditary. Identifiers: Orphanet 140162, MedGen C0027672, MeSH D009386, MONDO:0015356.

Submission:

Ambry Genetics
Classification: Uncertain significance for Hereditary cancer-predisposing syndrome. Last evaluated: 2025-04-11. Review status: criteria provided, single submitter. Criteria: Ambry Variant Classification Scheme 2023. Collection method: clinical testing. Allele origin: germline.
Comment: The c.661_662delCT variant, located in coding exon 4 of the PDGFRA gene, results from a deletion of two nucleotides at nucleotide positions 661 to 662, causing a translational frameshift with a predicted alternate stop codon (p.L221*). This alteration is expected to result in loss of function by premature protein truncation or nonsense-mediated mRNA decay. However, loss of function of PDGFRA has not been established as a mechanism of disease. Based on the available evidence, the clinical significance of this alteration remains unclear.

NM_006206.6(PDGFRA):c.661_662del (p.Ala220_Leu221insTer)

Gene: PDGFRA (platelet derived growth factor receptor alpha; plus strand). Cytogenetic location: 4q12.
Variant type: Microsatellite.
Coding change: c.661_662del on transcript NM_006206.6 (MANE Select); coding-DNA positions 661 to 662, 2 bases deleted (CT; older notation c.661_662delCT).
Protein change: p.Ala220_Leu221insTer.
Molecular consequence: nonsense. On other transcripts: frameshift variant (2).
Genome position (GRCh38, 1-based): chr4:54,264,951-54,264,952, CT deleted; deleting any 2 consecutive bases within chr4:54,264,949-54,264,952 gives the same sequence; the c. name uses the placement nearest the transcript's 3' end. VCF-style (leftmost placement, unchanged base first): chr4-54264948-GCT-G. GRCh37 (hg19) VCF-style: chr4-55131115-GCT-G.
Other names: c.661_662del, p.Ala220_Leu221insTer (NM_001347827.2, NM_001347829.2); c.736_737del, p.Ala245_Leu246insTer (NM_001347828.2); c.700_701del, p.Ala233_Leu234insTer (NM_001347830.2); c.659_660CT[1], p.Leu221Terfs (NM_006206.4); c.661_662delCT (NM_006206.4).
Identifiers: ClinVar variation 3930193 (VCV003930193.1).